The following is an entry in ClinVar:

ClinVar aggregate classification (germline): Uncertain significance (1 of 4 stars; one submission).

gnomAD v4.1: 1 of 1,613,898 alleles (0.000062%); highest among the groups gnomAD compares: East Asian, 0.0022%; no homozygotes.

Submission:

Ambry Genetics
Classification: Uncertain significance. Last evaluated: 2024-07-13. Review status: criteria provided, single submitter. Criteria: Ambry Variant Classification Scheme 2023. Collection method: clinical testing. Allele origin: germline.
Comment: The p.V719I variant (also known as c.2155G>A), located in coding exon 18 of the RAD54L gene, results from a G to A substitution at nucleotide position 2155. The valine at codon 719 is replaced by isoleucine, an amino acid with highly similar properties. This amino acid position is conserved. In addition, this alteration is predicted to be tolerated by in silico analysis. Based on the available evidence, the clinical significance of this variant remains unclear.

NM_003579.4(RAD54L):c.2155G>A (p.Val719Ile)

Genes: LRRC41 (leucine rich repeat containing 41; minus strand), RAD54L (RAD54 like; plus strand). Cytogenetic location: 1p34.1.
Variant type: single nucleotide variant.
Coding change: c.2155G>A on transcript NM_003579.4 (MANE Select); coding-DNA position 2155, G replaced by A.
Protein change: p.Val719Ile; replaces valine 719 with isoleucine.
Molecular consequence: missense variant. On other transcripts: 3 prime UTR variant (1).
Genome position (GRCh38, 1-based): chr1:46,278,193, G>A. VCF-style: chr1-46278193-G-A. GRCh37 (hg19) VCF-style: chr1-46743865-G-A.
Other names: c.*672C>T (NM_006369.5); c.2155G>A, p.Val719Ile (NM_001142548.2); c.1615G>A, p.Val539Ile (NM_001370766.1); short protein forms V539I, V719I.
Identifiers: ClinVar variation 3429777 (VCV003429777.1).